The following is an entry in ClinVar:

ClinVar aggregate classification (germline): Uncertain significance (0 of 4 stars; one submission).

Conditions:
PKD1-related disorder. Also called: PKD1-related condition.

Submission:

PreventionGenetics, part of Exact Sciences
Classification: Uncertain significance for PKD1-related condition. Last evaluated: 2023-12-31. Review status: no assertion criteria provided. Collection method: clinical testing. Allele origin: germline.
Comment: The PKD1 c.154T>C variant is predicted to result in the amino acid substitution p.Ser52Pro. To our knowledge, this variant has not been reported in the literature or in a large population database, indicating this variant is rare. Of note, a different substitution at the same codon defined as c.155C>G (p.Ser52Trp) has been reported in an individual with autosomal dominant polycystic kidney disease (ADPKD) (Carrera et al. 2016. PubMed ID: 27499327, Suppl. Table S5). Although we suspect the p.Ser52Pro variant is pathogenic, at this time, the clinical significance of this variant is uncertain due to the absence of conclusive functional and genetic evidence.

NM_001009944.3(PKD1):c.154T>C (p.Ser52Pro)

Gene: PKD1 (polycystin 1, transient receptor potential channel interacting; minus strand). Cytogenetic location: 16p13.3.
Variant type: single nucleotide variant.
Coding change: c.154T>C on transcript NM_001009944.3 (MANE Select); coding-DNA position 154, T replaced by C.
Protein change: p.Ser52Pro; replaces serine 52 with proline.
Molecular consequence: missense variant.
Genome position (GRCh38, 1-based): chr16:2,135,536, A>G on the plus strand (T>C on the coding strand, the complement: PKD1 is on the minus strand). VCF-style: chr16-2135536-A-G. GRCh37 (hg19) VCF-style: chr16-2185537-A-G.
Other names: c.154T>C, p.Ser52Pro (NM_000296.4); short protein forms S52P.
Identifiers: ClinVar variation 3058260 (VCV003058260.2), dbSNP rs2544960233, ClinGen allele CA394282397.